The following is an entry in ClinVar:

ClinVar aggregate classification (germline): Conflicting classifications of pathogenicity. Review status: criteria provided, conflicting classifications (1 of 4 stars). 3 submissions from 3 submitters: Uncertain significance (2); Benign (1). Last evaluated 2023-08-04.

Allele frequency attached by ClinVar (database versions not stated): gnomAD 0.00001.
gnomAD v4.1: 5 of 1,611,896 alleles (0.00031%); highest among the groups gnomAD compares: South Asian, 0.0011%; no homozygotes.

Submissions (3):

Labcorp Genetics (formerly Invitae), Labcorp
Classification: Benign. Last evaluated: 2023-08-04. Review status: criteria provided, single submitter. Criteria: Invitae Variant Classification Sherloc (09022015). Collection method: clinical testing. Allele origin: germline.

Blueprint Genetics
Classification: Uncertain significance. Last evaluated: 2023-02-27. Review status: criteria provided, single submitter. Criteria: ACMG Guidelines, 2015. Collection method: clinical testing. Allele origin: germline.

GeneDx
Classification: Uncertain significance. Last evaluated: 2022-01-21. Review status: criteria provided, single submitter. Criteria: GeneDx Variant Classification Process June 2021. Collection method: clinical testing. Allele origin: germline. Affected: yes.
Comment: In silico analysis supports that this missense variant has a deleterious effect on protein structure/function; Has not been previously published as pathogenic or benign to our knowledge

NM_004958.4(MTOR):c.3269G>C (p.Arg1090Pro)

Gene: MTOR (mechanistic target of rapamycin kinase; minus strand). Cytogenetic location: 1p36.22.
Variant type: single nucleotide variant.
Coding change: c.3269G>C on transcript NM_004958.4 (MANE Select); coding-DNA position 3269, G replaced by C.
Protein change: p.Arg1090Pro; replaces arginine 1090 with proline.
Molecular consequence: missense variant.
Genome position (GRCh38, 1-based): chr1:11,213,415, C>G on the plus strand (G>C on the coding strand, the complement: MTOR is on the minus strand). VCF-style: chr1-11213415-C-G. GRCh37 (hg19) VCF-style: chr1-11273472-C-G.
Other names: c.3269G>C, p.Arg1090Pro (NM_001386500.1); c.2021G>C, p.Arg674Pro (NM_001386501.1); short protein forms R674P, R1090P.
Identifiers: ClinVar variation 1499468 (VCV001499468.10), dbSNP rs573466361, ClinGen allele CA590277.
Genomic context (GRCh38, chr1:11,213,415, plus strand): 5'-AGGAAATCAGAAAATCTCTCTGGAGGATGACGTAGGCTACTCACCTTGATAGAGACAATG[C>G]GGCCTGGGCTGTTGTCATGCATGAAGACACGCAGCATGTGTGGGATCAGCTGGGGCAGGT-3'
Protein context (NP_004949.1, residues 1080-1100): RVFMHDNSPG[Arg1090Pro]IVSIKLLAAI